The following is an entry in ClinVar:

ClinVar aggregate classification (germline): Uncertain significance. Review status: criteria provided, multiple submitters, no conflicts (2 of 4 stars). 2 submissions from 2 submitters: Uncertain significance (2). Last evaluated 2025-07-16.

Conditions:
ADNP-related multiple congenital anomalies - intellectual disability - autism spectrum disorder. Also called: Helsmoortel-Van der Aa Syndrome; ADNP-Related Helsmoortel-Van der Aa Syndrome. Identifiers: Orphanet 404448, MedGen C4014538, MONDO:0014379, OMIM 615873. Disease mechanism: loss of function.

Allele frequency attached by ClinVar (database versions not stated): ExAC 0.00001.
gnomAD v4.1: 12 of 1,614,106 alleles (0.00074%); highest among the groups gnomAD compares: South Asian, 0.0011%; no homozygotes.

Submissions (2):

Daryl Scott Lab, Baylor College of Medicine
Classification: Uncertain significance for ADNP-related multiple congenital anomalies - intellectual disability - autism spectrum disorder. Last evaluated: 2025-07-16. Review status: criteria provided, single submitter. Criteria: ACMG Guidelines, 2015. Collection method: clinical testing. Allele origin: unknown. Affected: yes. Observed: 1 heterozygote.
Comment: BS2, BP4

Labcorp Genetics (formerly Invitae), Labcorp
Classification: Uncertain significance. Last evaluated: 2022-06-28. Review status: criteria provided, single submitter. Criteria: Invitae Variant Classification Sherloc (09022015). Collection method: clinical testing. Allele origin: germline.
Comment: This sequence change replaces isoleucine, which is neutral and non-polar, with asparagine, which is neutral and polar, at codon 603 of the ADNP protein (p.Ile603Asn). This variant is present in population databases (rs149024089, gnomAD 0.003%). This variant has not been reported in the literature in individuals affected with ADNP-related conditions. Algorithms developed to predict the effect of missense changes on protein structure and function are either unavailable or do not agree on the potential impact of this missense change (SIFT: "Not Available"; PolyPhen-2: "Benign"; Align-GVGD: "Not Available"). In summary, the available evidence is currently insufficient to determine the role of this variant in disease. Therefore, it has been classified as a Variant of Uncertain Significance.

NM_001282531.3(ADNP):c.1808T>A (p.Ile603Asn)

Gene: ADNP (activity dependent neuroprotector homeobox; minus strand). Cytogenetic location: 20q13.13.
Variant type: single nucleotide variant.
Coding change: c.1808T>A on transcript NM_001282531.3 (MANE Select); coding-DNA position 1808, T replaced by A.
Protein change: p.Ile603Asn; replaces isoleucine 603 with asparagine.
Molecular consequence: missense variant.
Genome position (GRCh38, 1-based): chr20:50,892,906, A>T on the plus strand (T>A on the coding strand, the complement: ADNP is on the minus strand). VCF-style: chr20-50892906-A-T. GRCh37 (hg19) VCF-style: chr20-49509443-A-T.
Other names: c.1808T>A, p.Ile603Asn (NM_001282532.2, NM_001347511.2, NM_015339.5 and 1 more transcripts); c.1808T>A (NM_015339.2); short protein forms I603N.
Identifiers: ClinVar variation 2011684 (VCV002011684.5), dbSNP rs149024089, ClinGen allele CA9908679.